The following is an entry in ClinVar:

NM_133259.4(LRPPRC):c.592-2A>T

Gene: LRPPRC (leucine rich pentatricopeptide repeat containing; minus strand). Cytogenetic location: 2p21.
Variant type: single nucleotide variant.
Coding change: c.592-2A>T on transcript NM_133259.4 (MANE Select); the canonical splice acceptor site of the intron before coding-DNA position 592, A replaced by T.
Molecular consequence: splice acceptor variant.
Genome position (GRCh38, 1-based): chr2:43,977,054, T>A on the plus strand (A>T on the coding strand, the complement: LRPPRC is on the minus strand). VCF-style: chr2-43977054-T-A. GRCh37 (hg19) VCF-style: chr2-44204193-T-A.
Identifiers: ClinVar variation 2024518 (VCV002024518.4), dbSNP rs2466676219, ClinGen allele CA346675682.

ClinVar aggregate classification (germline): Likely pathogenic (1 of 4 stars; one submission).

Submission:

Labcorp Genetics (formerly Invitae), Labcorp
Classification: Likely pathogenic. Last evaluated: 2022-08-17. Review status: criteria provided, single submitter. Criteria: Invitae Variant Classification Sherloc (09022015). Collection method: clinical testing. Allele origin: germline.
Comment: In summary, the currently available evidence indicates that the variant is pathogenic, but additional data are needed to prove that conclusively. Therefore, this variant has been classified as Likely Pathogenic. Algorithms developed to predict the effect of sequence changes on RNA splicing suggest that this variant may disrupt the consensus splice site. This variant has not been reported in the literature in individuals affected with LRPPRC-related conditions. This variant is not present in population databases (gnomAD no frequency). This sequence change affects an acceptor splice site in intron 4 of the LRPPRC gene. It is expected to disrupt RNA splicing. Variants that disrupt the donor or acceptor splice site typically lead to a loss of protein function (PMID: 16199547), and loss-of-function variants in LRPPRC are known to be pathogenic (PMID: 26510951).

Literature cited by the submitters: PubMed 16199547; PubMed 26510951.